The following is an entry in ClinVar:

NM_006914.4(RORB):c.3G>C (p.Met1Ile)

Genes: RORB (RAR related orphan receptor B; plus strand), RORB-AS1 (RORB antisense RNA 1; minus strand). Cytogenetic location: 9q21.13.
Variant type: single nucleotide variant.
Coding change: c.3G>C on transcript NM_006914.4 (MANE Select); coding-DNA position 3, G replaced by C.
Protein change: p.Met1Ile; changes the start codon (methionine 1).
Molecular consequence: missense variant, initiator codon variant.
Genome position (GRCh38, 1-based): chr9:74,497,979, G>C. VCF-style: chr9-74497979-G-C. GRCh37 (hg19) VCF-style: chr9-77112895-G-C.
Other names: short protein forms M1I.
Identifiers: ClinVar variation 2825215 (VCV002825215.3), dbSNP rs2490005867, ClinGen allele CA373770323.

ClinVar aggregate classification (germline): Pathogenic (1 of 4 stars; one submission).

Submission:

Labcorp Genetics (formerly Invitae), Labcorp
Classification: Pathogenic. Last evaluated: 2025-01-15. Review status: criteria provided, single submitter. Criteria: Invitae Variant Classification Sherloc (09022015). Collection method: clinical testing. Allele origin: germline.
Comment: This sequence change affects the initiator methionine of the RORB mRNA. The next in-frame methionine is located at codon 75. This variant is not present in population databases (gnomAD no frequency). This variant has not been reported in the literature in individuals affected with RORB-related conditions. ClinVar contains an entry for this variant (Variation ID: 2825215). This variant disrupts a region of the RORB protein in which other variant(s) (p.Arg36Lys) have been determined to be pathogenic (internal data). This suggests that this is a clinically significant region of the protein, and that variants that disrupt it are likely to be disease-causing. For these reasons, this variant has been classified as Pathogenic.